The following is an entry in ClinVar:

NM_000535.7(PMS2):c.1862C>G (p.Ser621Cys)

Gene: PMS2 (PMS1 homolog 2, mismatch repair system component; minus strand). Cytogenetic location: 7p22.1.
Variant type: single nucleotide variant.
Coding change: c.1862C>G on transcript NM_000535.7 (MANE Select); coding-DNA position 1862, C replaced by G.
Protein change: p.Ser621Cys; replaces serine 621 with cysteine.
Molecular consequence: missense variant. On other transcripts: non-coding transcript variant (1).
Genome position (GRCh38, 1-based): chr7:5,986,903, G>C on the plus strand (C>G on the coding strand, the complement: PMS2 is on the minus strand). VCF-style: chr7-5986903-G-C. GRCh37 (hg19) VCF-style: chr7-6026534-G-C.
Other names: c.1457C>G, p.Ser486Cys (NM_001322003.2, NM_001322004.2, NM_001322005.2 and 1 more transcripts); c.1706C>G, p.Ser569Cys (NM_001322006.2); c.1544C>G, p.Ser515Cys (NM_001322007.2, NM_001322008.2); c.1301C>G, p.Ser434Cys (NM_001322010.2); c.929C>G, p.Ser310Cys (NM_001322011.2, NM_001322012.2); c.1289C>G, p.Ser430Cys (NM_001322013.2); c.1862C>G, p.Ser621Cys (NM_001322014.2); c.1553C>G, p.Ser518Cys (NM_001322015.2); short protein forms S486C, S434C, S569C, S310C, S518C, S430C, S515C, S621C.
Identifiers: ClinVar variation 640968 (VCV000640968.8), dbSNP rs1583314570, ClinGen allele CA366739536.

ClinVar aggregate classification (germline): Uncertain significance (1 of 4 stars; one submission).

Conditions:
Hereditary nonpolyposis colorectal neoplasms. Identifiers: MedGen C0009405, MeSH D003123.

Submission:

Labcorp Genetics (formerly Invitae), Labcorp
Classification: Uncertain significance for Hereditary nonpolyposis colorectal neoplasms. Last evaluated: 2024-11-05. Review status: criteria provided, single submitter. Criteria: Invitae Variant Classification Sherloc (09022015). Collection method: clinical testing. Allele origin: germline.
Comment: This sequence change replaces serine, which is neutral and polar, with cysteine, which is neutral and slightly polar, at codon 621 of the PMS2 protein (p.Ser621Cys). This variant is not present in population databases (gnomAD no frequency). This variant has not been reported in the literature in individuals affected with PMS2-related conditions. ClinVar contains an entry for this variant (Variation ID: 640968). Invitae Evidence Modeling incorporating data from in vitro experimental studies (internal data) indicates that this missense variant is not expected to disrupt PMS2 function with a negative predictive value of 95%. In summary, the available evidence is currently insufficient to determine the role of this variant in disease. Therefore, it has been classified as a Variant of Uncertain Significance.